The following is an entry in ClinVar:

NM_000135.4(FANCA):c.1900+1G>A

Gene: FANCA (FA complementation group A; minus strand). Cytogenetic location: 16q24.3.
Variant type: single nucleotide variant.
Coding change: c.1900+1G>A on transcript NM_000135.4 (MANE Select); the canonical splice donor site of the intron after coding-DNA position 1900, G replaced by A.
Molecular consequence: splice donor variant.
Genome position (GRCh38, 1-based): chr16:89,775,741, C>T on the plus strand (G>A on the coding strand, the complement: FANCA is on the minus strand). VCF-style: chr16-89775741-C-T. GRCh37 (hg19) VCF-style: chr16-89842149-C-T.
Other names: c.1900+1G>A (NM_001286167.3).
Identifiers: ClinVar variation 1499736 (VCV001499736.6), dbSNP rs1598120768, ClinGen allele CA397451761.

ClinVar aggregate classification (germline): Likely pathogenic (1 of 4 stars; one submission).

Conditions:
Fanconi anemia (FA). Also called: Fanconi's anemia. Identifiers: Orphanet 84, MedGen C0015625, MeSH D005199, MONDO:0019391.

Allele frequency attached by ClinVar (database versions not stated): gnomAD 0.00001.
gnomAD v4.1: 1 of 1,610,688 alleles (0.000062%); highest among the groups gnomAD compares: Non-Finnish European, 0.000085%; no homozygotes.

Submission:

Labcorp Genetics (formerly Invitae), Labcorp
Classification: Likely pathogenic for Fanconi anemia. Last evaluated: 2021-08-27. Review status: criteria provided, single submitter. Criteria: Invitae Variant Classification Sherloc (09022015). Collection method: clinical testing. Allele origin: germline.
Comment: In summary, the currently available evidence indicates that the variant is pathogenic, but additional data are needed to prove that conclusively. Therefore, this variant has been classified as Likely Pathogenic. Algorithms developed to predict the effect of sequence changes on RNA splicing suggest that this variant may disrupt the consensus splice site. This variant has not been reported in the literature in individuals affected with FANCA-related conditions. This variant is not present in population databases (ExAC no frequency). This sequence change affects a donor splice site in intron 21 of the FANCA gene. It is expected to disrupt RNA splicing. Variants that disrupt the donor or acceptor splice site typically lead to a loss of protein function (PMID: 16199547), and loss-of-function variants in FANCA are known to be pathogenic (PMID: 19367192).

Literature cited by the submitters: PubMed 16199547; PubMed 19367192.